The following is an entry in ClinVar:

NM_000222.3(KIT):c.741A>T (p.Lys247Asn)

Gene: KIT (KIT proto-oncogene, receptor tyrosine kinase; plus strand). Cytogenetic location: 4q12.
Variant type: single nucleotide variant.
Coding change: c.741A>T on transcript NM_000222.3 (MANE Select); coding-DNA position 741, A replaced by T.
Protein change: p.Lys247Asn; replaces lysine 247 with asparagine.
Molecular consequence: missense variant.
Genome position (GRCh38, 1-based): chr4:54,699,751, A>T. VCF-style: chr4-54699751-A-T. GRCh37 (hg19) VCF-style: chr4-55565917-A-T.
Other names: c.741A>T, p.Lys247Asn (NM_001093772.2, NM_001385284.1, NM_001385285.1 and 4 more transcripts); short protein forms K247N.
Identifiers: ClinVar variation 4858914 (VCV004858914.1).

ClinVar aggregate classification (germline): Uncertain significance (1 of 4 stars; one submission).

Conditions:
Hereditary cancer-predisposing syndrome. Also called: Neoplastic Syndromes, Hereditary; Tumor predisposition; Hereditary Cancer Syndrome; Hereditary neoplastic syndrome. Identifiers: Orphanet 140162, MedGen C0027672, MeSH D009386, MONDO:0015356.

Submission:

Ambry Genetics
Classification: Uncertain significance for Hereditary cancer-predisposing syndrome. Last evaluated: 2026-03-21. Review status: criteria provided, single submitter. Criteria: Ambry Variant Classification Scheme 2023. Collection method: clinical testing. Allele origin: germline.
Comment: The p.K247N variant (also known as c.741A>T), located in coding exon 4 of the KIT gene, results from an A to T substitution at nucleotide position 741. The lysine at codon 247 is replaced by asparagine, an amino acid with similar properties. This amino acid position is conserved. In addition, this alteration is predicted to be tolerated by in silico analysis. Based on the available evidence, the clinical significance of this variant remains unclear.